The following is an entry in ClinVar:

ClinVar aggregate classification (germline): Benign. Review status: criteria provided, multiple submitters, no conflicts (2 of 4 stars). 10 submissions from 9 submitters: Benign (8). 2 of the submissions do not count toward it. Last evaluated 2026-02-03.

Conditions:
KCNT1-related disorder. Also called: KCNT1-related condition.
Inborn genetic diseases. Identifiers: MedGen C0950123, MeSH D030342.
Developmental and epileptic encephalopathy, 14 (DEE14). Also called: Early infantile epileptic encephalopathy 14. Identifiers: Orphanet 293181, MedGen C3554195, MONDO:0013989, OMIM 614959.
Autosomal dominant nocturnal frontal lobe epilepsy 5. Also called: Epilepsy, nocturnal frontal lobe, 5; KCNT1-Related Epilepsy; CILIARY DYSKINESIA, PRIMARY, 28, WITHOUT SITUS INVERSUS; CILIARY DYSKINESIA, PRIMARY, 28, WITH SITUS INVERSUS. Identifiers: Orphanet 98784, MedGen C3554306, MONDO:0014002, OMIM 615005.

Allele frequency attached by ClinVar (database versions not stated): gnomAD exomes 0.00223 and 0.00636; ExAC 0.00790; TOPMed 0.02727; 1000 Genomes Project 0.02835; gnomAD 0.02678 and 0.02511; ESP Exome Variant Server 0.02991; 1000 Genomes Project 30x 0.03107.

Submissions (10):

Labcorp Genetics (formerly Invitae), Labcorp
Classification: Benign for Autosomal dominant nocturnal frontal lobe epilepsy 5; Developmental and epileptic encephalopathy, 14. Last evaluated: 2026-02-03. Review status: criteria provided, single submitter. Criteria: Invitae Variant Classification Sherloc (09022015). Collection method: clinical testing. Allele origin: germline.

Athena Diagnostics
Classification: Benign. Last evaluated: 2023-10-27. Review status: criteria provided, single submitter. Criteria: Athena Diagnostics Criteria. Collection method: clinical testing. Allele origin: unknown.

Genome-Nilou Lab
Classification: Benign for Developmental and epileptic encephalopathy, 14. Last evaluated: 2022-03-15. Review status: criteria provided, single submitter. Criteria: ACMG Guidelines, 2015. Collection method: clinical testing. Allele origin: germline. Affected: no.

Genome-Nilou Lab
Classification: Benign for Autosomal dominant nocturnal frontal lobe epilepsy 5. Last evaluated: 2022-03-15. Review status: criteria provided, single submitter. Criteria: ACMG Guidelines, 2015. Collection method: clinical testing. Allele origin: germline. Affected: no.

Mayo Clinic Laboratories, Mayo Clinic
Classification: Benign. Last evaluated: 2018-04-10. Review status: criteria provided, single submitter. Criteria: ACMG Guidelines, 2015. Collection method: clinical testing. Allele origin: germline. Observed: 12 variant alleles.

Ambry Genetics
Classification: Benign for Inborn genetic diseases. Last evaluated: 2016-06-27. Review status: criteria provided, single submitter. Criteria: Ambry Variant Classification Scheme 2023. Collection method: clinical testing. Allele origin: germline.

GeneDx
Classification: Benign. Last evaluated: 2016-01-19. Review status: criteria provided, single submitter. Criteria: GeneDx Variant Classification (06012015). Collection method: clinical testing. Allele origin: germline. Affected: yes.
Comment: This variant is considered likely benign or benign based on one or more of the following criteria: it is a conservative change, it occurs at a poorly conserved position in the protein, it is predicted to be benign by multiple in silico algorithms, and/or has population frequency not consistent with disease.

Breakthrough Genomics
Classification: Benign. Review status: criteria provided, single submitter. Criteria: ACMG Guidelines, 2015. Collection method: not provided. Allele origin: germline. Inheritance: Autosomal dominant inheritance. Affected: yes.

PreventionGenetics, part of Exact Sciences
Classification: Benign for KCNT1-related condition. Last evaluated: 2021-06-30. Review status: no assertion criteria provided. Collection method: clinical testing. Allele origin: germline. Not counted in ClinVar's aggregate classification.
Comment: This variant is classified as benign based on ACMG/AMP sequence variant interpretation guidelines (Richards et al. 2015 PMID: 25741868, with internal and published modifications).

Genetic Services Laboratory, University of Chicago
Classification: Likely benign for AllHighlyPenetrant. Review status: no assertion criteria provided. Collection method: clinical testing. Allele origin: germline. Inheritance: Autosomal dominant inheritance. Not counted in ClinVar's aggregate classification.
Comment: Likely benign based on allele frequency in 1000 Genomes Project or ESP global frequency and its presence in a patient with a rare or unrelated disease phenotype. NOT Sanger confirmed.

NM_020822.3(KCNT1):c.978A>G (p.Pro326=)

Gene: KCNT1 (potassium sodium-activated channel subfamily T member 1; plus strand). Cytogenetic location: 9q34.3.
Variant type: single nucleotide variant.
Coding change: c.978A>G on transcript NM_020822.3 (MANE Select); coding-DNA position 978, A replaced by G.
Protein change: p.Pro326=; no amino-acid change (proline 326 retained).
Molecular consequence: synonymous variant.
Genome position (GRCh38, 1-based): chr9:135,759,802, A>G. VCF-style: chr9-135759802-A-G. GRCh37 (hg19) VCF-style: chr9-138651648-A-G.
Other names: p.Pro326=; c.843A>G, p.Pro281= (NM_001272003.2).
Identifiers: ClinVar variation 129368 (VCV000129368.27), dbSNP rs61739517, ClinGen allele CA153324.
Genomic context (GRCh38, chr9:135,759,802, plus strand): 5'-CTTCTGCATCGTCACCTTCTCCACCGTGGGCTACGGTGACGTCACGCCCAAGATCTGGCC[A>G]TCGCAGCTGCTGGTGGTCATCATGATCTGCGTGGCCCTCGTGGTGCTCCCACTGCAGGTG-3'
Protein context (NP_065873.2, residues 316-336): GYGDVTPKIW[Pro326=]SQLLVVIMIC